The following is an entry in ClinVar:

NM_133261.3(GIPC3):c.701A>C (p.Glu234Ala)

Gene: GIPC3 (GIPC PDZ domain containing family member 3; plus strand). Cytogenetic location: 19p13.3.
Variant type: single nucleotide variant.
Coding change: c.701A>C on transcript NM_133261.3 (MANE Select); coding-DNA position 701, A replaced by C.
Protein change: p.Glu234Ala; replaces glutamic acid 234 with alanine.
Molecular consequence: missense variant.
Genome position (GRCh38, 1-based): chr19:3,589,551, A>C. VCF-style: chr19-3589551-A-C. GRCh37 (hg19) VCF-style: chr19-3589549-A-C.
Other names: c.701A>C (NM_133261.2); short protein forms E234A.
Identifiers: ClinVar variation 1366803 (VCV001366803.4), dbSNP rs781013259, ClinGen allele CA9080500.

ClinVar aggregate classification (germline): Uncertain significance. Review status: criteria provided, multiple submitters, no conflicts (2 of 4 stars). 2 submissions from 2 submitters: Uncertain significance (2). Last evaluated 2024-01-19.

Conditions:
Inborn genetic diseases. Identifiers: MedGen C0950123, MeSH D030342.

Allele frequency attached by ClinVar (database versions not stated): gnomAD 0.00003 and 0.00004; TOPMed 0.00008; ExAC 0.00013; gnomAD exomes 0.00018.
gnomAD v4.1: 56 of 1,612,372 alleles (0.0035%); highest among the groups gnomAD compares: Admixed American, 0.087%; no homozygotes.

Submissions (2):

Ambry Genetics
Classification: Uncertain significance for Inborn genetic diseases. Last evaluated: 2024-01-19. Review status: criteria provided, single submitter. Criteria: Ambry Variant Classification Scheme 2023. Collection method: clinical testing. Allele origin: germline.

Labcorp Genetics (formerly Invitae), Labcorp
Classification: Uncertain significance. Last evaluated: 2022-08-09. Review status: criteria provided, single submitter. Criteria: Invitae Variant Classification Sherloc (09022015). Collection method: clinical testing. Allele origin: germline.
Comment: This sequence change replaces glutamic acid, which is acidic and polar, with alanine, which is neutral and non-polar, at codon 234 of the GIPC3 protein (p.Glu234Ala). This variant is present in population databases (rs781013259, gnomAD 0.1%). This variant has not been reported in the literature in individuals affected with GIPC3-related conditions. ClinVar contains an entry for this variant (Variation ID: 1366803). Algorithms developed to predict the effect of missense changes on protein structure and function (SIFT, PolyPhen-2, Align-GVGD) all suggest that this variant is likely to be tolerated. In summary, the available evidence is currently insufficient to determine the role of this variant in disease. Therefore, it has been classified as a Variant of Uncertain Significance.